The following is an entry in ClinVar:

ClinVar aggregate classification (germline): Uncertain significance (1 of 4 stars; one submission).

gnomAD v4.1: 4 of 1,613,952 alleles (0.00025%); highest among the groups gnomAD compares: Non-Finnish European, 0.00034%; no homozygotes.

Submission:

GeneDx
Classification: Uncertain significance. Last evaluated: 2023-12-19. Review status: criteria provided, single submitter. Criteria: GeneDx Variant Classification Process June 2021. Collection method: clinical testing. Allele origin: germline. Affected: yes.
Comment: Not observed at significant frequency in large population cohorts (gnomAD); In silico analysis supports that this missense variant has a deleterious effect on protein structure/function; Has not been previously published as pathogenic or benign to our knowledge; Occurs in the triple helical domain at the X position in the canonical Gly-X-Y repeat; although this variant may have an effect on normal protein folding and function, missense substitution at the X position is not a common mechanism of disease (PMID: 22696272, HGMD); This variant is associated with the following publications: (PMID: 22696272)

NM_000093.5(COL5A1):c.3253C>T (p.Pro1085Ser)

Gene: COL5A1 (collagen type V alpha 1 chain; plus strand). Cytogenetic location: 9q34.3.
Variant type: single nucleotide variant.
Coding change: c.3253C>T on transcript NM_000093.5 (MANE Select); coding-DNA position 3253, C replaced by T.
Protein change: p.Pro1085Ser; replaces proline 1085 with serine.
Molecular consequence: missense variant.
Genome position (GRCh38, 1-based): chr9:134,805,209, C>T. VCF-style: chr9-134805209-C-T. GRCh37 (hg19) VCF-style: chr9-137697055-C-T.
Other names: c.3253C>T, p.Pro1085Ser (NM_001278074.1); short protein forms P1085S.
Identifiers: ClinVar variation 3365757 (VCV003365757.1).